The following is an entry in ClinVar:

ClinVar aggregate classification (germline): Uncertain significance. Review status: criteria provided, multiple submitters, no conflicts (2 of 4 stars). 2 submissions from 2 submitters: Uncertain significance (2). Last evaluated 2024-01-03.

Allele frequency attached by ClinVar (database versions not stated): TOPMed 0.00006; ExAC 0.00008; gnomAD exomes 0.00011; ESP Exome Variant Server 0.00023; gnomAD 0.00025 and 0.00026.
gnomAD v4.1: 195 of 1,614,064 alleles (0.012%); highest among the groups gnomAD compares: Non-Finnish European, 0.014%; no homozygotes.

Submissions (3):

Ambry Genetics
Classification: Uncertain significance. Last evaluated: 2024-01-03. Review status: criteria provided, single submitter. Criteria: Ambry Variant Classification Scheme 2023. Collection method: clinical testing. Allele origin: germline.

Labcorp Genetics (formerly Invitae), Labcorp
Classification: Uncertain significance. Last evaluated: 2022-09-07. Review status: criteria provided, single submitter. Criteria: Invitae Variant Classification Sherloc (09022015). Collection method: clinical testing. Allele origin: germline.
Comment: This sequence change replaces proline, which is neutral and non-polar, with alanine, which is neutral and non-polar, at codon 1292 of the RUSC2 protein (p.Pro1292Ala). This variant is present in population databases (rs201923432, gnomAD 0.05%). This variant has not been reported in the literature in individuals affected with RUSC2-related conditions. ClinVar contains an entry for this variant (Variation ID: 1515282). Algorithms developed to predict the effect of missense changes on protein structure and function are either unavailable or do not agree on the potential impact of this missense change (SIFT: "Tolerated"; PolyPhen-2: "Probably Damaging"; Align-GVGD: "Class C0"). In summary, the available evidence is currently insufficient to determine the role of this variant in disease. Therefore, it has been classified as a Variant of Uncertain Significance.

Dr. Peter K. Rogan Lab, Western University
No classification provided (evidence only). Condition: Clear cell carcinoma of kidney. Review status: no classification provided. Collection method: in vitro. Allele origin: not applicable. Functional consequence: retained intron. Not counted in ClinVar's aggregate classification.

NM_014806.5(RUSC2):c.3874C>G (p.Pro1292Ala)

Gene: RUSC2 (RUN and SH3 domain containing 2; plus strand). Cytogenetic location: 9p13.3.
Variant type: single nucleotide variant.
Coding change: c.3874C>G on transcript NM_014806.5 (MANE Select); coding-DNA position 3874, C replaced by G.
Protein change: p.Pro1292Ala; replaces proline 1292 with alanine.
Molecular consequence: missense variant. On other transcripts: non-coding transcript variant (1).
Genome position (GRCh38, 1-based): chr9:35,560,514, C>G. VCF-style: chr9-35560514-C-G. GRCh37 (hg19) VCF-style: chr9-35560511-C-G.
Other names: c.3874C>G, p.Pro1292Ala (NM_001135999.2); c.1240C>G, p.Pro414Ala (NM_001330740.2); c.3874C>G (NM_001135999.1); short protein forms P414A, P1292A.
Identifiers: ClinVar variation 1515282 (VCV001515282.5), dbSNP rs201923432, ClinGen allele CA5044257.